The following is an entry in ClinVar:

ClinVar aggregate classification (germline): Uncertain significance (1 of 4 stars; one submission).

Conditions:
Peroxisome biogenesis disorder, complementation group 7 (CG7). Also called: Peroxisome biogenesis disorder, complementation group B. Identifiers: MedGen C1864399.

Submission:

Labcorp Genetics (formerly Invitae), Labcorp
Classification: Uncertain significance for Peroxisome biogenesis disorder, complementation group 7. Last evaluated: 2020-10-28. Review status: criteria provided, single submitter. Criteria: Invitae Variant Classification Sherloc (09022015). Collection method: clinical testing. Allele origin: germline.
Comment: In summary, the available evidence is currently insufficient to determine the role of this variant in disease. Therefore, it has been classified as a Variant of Uncertain Significance. Algorithms developed to predict the effect of missense changes on protein structure and function (SIFT, PolyPhen-2, Align-GVGD) all suggest that this variant is likely to be tolerated, but these predictions have not been confirmed by published functional studies and their clinical significance is uncertain. This variant has not been reported in the literature in individuals with PEX10-related conditions. The frequency data for this variant in the population databases is considered unreliable, as metrics indicate insufficient coverage at this position in the ExAC database. This sequence change replaces serine with threonine at codon 35 of the PEX10 protein (p.Ser35Thr). The serine residue is moderately conserved and there is a small physicochemical difference between serine and threonine.

NM_002617.4(PEX10):c.104G>C (p.Ser35Thr)

Gene: PEX10 (peroxisomal biogenesis factor 10; minus strand). Cytogenetic location: 1p36.32.
Variant type: single nucleotide variant.
Coding change: c.104G>C on transcript NM_002617.4 (MANE Select); coding-DNA position 104, G replaced by C.
Protein change: p.Ser35Thr; replaces serine 35 with threonine.
Molecular consequence: missense variant. On other transcripts: intron variant (2).
Genome position (GRCh38, 1-based): chr1:2,412,399, C>G on the plus strand (G>C on the coding strand, the complement: PEX10 is on the minus strand). VCF-style: chr1-2412399-C-G. GRCh37 (hg19) VCF-style: chr1-2343838-C-G.
Other names: c.104G>C, p.Ser35Thr (NM_001374425.1, NM_153818.2); c.-321+1198G>C (NM_001374427.1, NM_001374426.1); short protein forms S35T.
Identifiers: ClinVar variation 1421518 (VCV001421518.6), dbSNP rs2100441138, ClinGen allele CA337990369.